The following is an entry in ClinVar:

NM_004626.3(WNT11):c.339C>T (p.Phe113=)

Gene: WNT11 (Wnt family member 11; minus strand). Cytogenetic location: 11q13.5.
Variant type: single nucleotide variant.
Coding change: c.339C>T on transcript NM_004626.3 (MANE Select); coding-DNA position 339, C replaced by T.
Protein change: p.Phe113=; no amino-acid change (phenylalanine 113 retained).
Molecular consequence: synonymous variant.
Genome position (GRCh38, 1-based): chr11:76,194,825, G>A on the plus strand (C>T on the coding strand, the complement: WNT11 is on the minus strand). VCF-style: chr11-76194825-G-A. GRCh37 (hg19) VCF-style: chr11-75905869-G-A.
Identifiers: ClinVar variation 3033689 (VCV003033689.2), dbSNP rs375385565, ClinGen allele CA6192999.

ClinVar aggregate classification (germline): Likely benign (0 of 4 stars; one submission).

Conditions:
WNT11-related disorder. Also called: WNT11-related condition.

Allele frequency attached by ClinVar (database versions not stated): gnomAD exomes 0.00009; 1000 Genomes Project 0.00020; 1000 Genomes Project 30x 0.00031; ESP Exome Variant Server 0.00072; ExAC 0.00074; gnomAD 0.00097; TOPMed 0.00106.
gnomAD v4.1: 275 of 1,527,612 alleles (0.018%); highest among the groups gnomAD compares: African/African-American, 0.33%; 1 homozygote.

Submission:

PreventionGenetics, part of Exact Sciences
Classification: Likely benign for WNT11-related condition. Last evaluated: 2022-05-17. Review status: no assertion criteria provided. Collection method: clinical testing. Allele origin: germline.
Comment: This variant is classified as likely benign based on ACMG/AMP sequence variant interpretation guidelines (Richards et al. 2015 PMID: 25741868, with internal and published modifications).